The following is an entry in ClinVar:

NM_005732.4(RAD50):c.1042G>C (p.Val348Leu)

Gene: RAD50 (RAD50 double strand break repair protein; plus strand). Cytogenetic location: 5q31.1.
Variant type: single nucleotide variant.
Coding change: c.1042G>C on transcript NM_005732.4 (MANE Select); coding-DNA position 1042, G replaced by C.
Protein change: p.Val348Leu; replaces valine 348 with leucine.
Molecular consequence: missense variant.
Genome position (GRCh38, 1-based): chr5:132,588,080, G>C. VCF-style: chr5-132588080-G-C. GRCh37 (hg19) VCF-style: chr5-131923772-G-C.
Other names: short protein forms V348L.
Identifiers: ClinVar variation 3429516 (VCV003429516.1).
Genomic context (GRCh38, chr5:132,588,080, plus strand): 5'-GAACTGGAAAAACTAAATAAAGAATCTAGGCTTCTCAATCAGGAAAAATCAGAACTGCTT[G>C]TTGAACAGGGTAGGACAAAATGTTTATTTGGTCGTTTTTCCTACTATGATGTTATACATT-3'
Protein context (NP_005723.2, residues 338-358): LLNQEKSELL[Val348Leu]EQGRLQLQAD

ClinVar aggregate classification (germline): Uncertain significance (1 of 4 stars; one submission).

Conditions:
Hereditary cancer-predisposing syndrome. Also called: Neoplastic Syndromes, Hereditary; Tumor predisposition; Hereditary Cancer Syndrome; Hereditary neoplastic syndrome. Identifiers: Orphanet 140162, MedGen C0027672, MeSH D009386, MONDO:0015356.

Submission:

Ambry Genetics
Classification: Uncertain significance for Hereditary cancer-predisposing syndrome. Last evaluated: 2024-10-17. Review status: criteria provided, single submitter. Criteria: Ambry Variant Classification Scheme 2023. Collection method: clinical testing. Allele origin: germline.
Comment: The p.V348L variant (also known as c.1042G>C), located in coding exon 7 of the RAD50 gene, results from a G to C substitution at nucleotide position 1042. The valine at codon 348 is replaced by leucine, an amino acid with highly similar properties. This amino acid position is conserved. In addition, this alteration is predicted to be tolerated by in silico analysis. Based on the available evidence, the clinical significance of this variant remains unclear.